The following is an entry in ClinVar:

ClinVar aggregate classification (germline): Likely benign. Review status: criteria provided, multiple submitters, no conflicts (2 of 4 stars). 5 submissions from 5 submitters: Likely benign (4). 1 of the submissions does not count toward it. Last evaluated 2025-10-06.

Conditions:
FBN1-related disorder. Also called: FBN1-related disorders.
Familial thoracic aortic aneurysm and aortic dissection (TAAD). Also called: Thoracic aortic aneurysms and dissections. Identifiers: Orphanet 91387, MedGen C4707243, MONDO:0019625.
Marfan syndrome (MFS). Also called: MARFAN SYNDROME, TYPE I; Marfan syndrome type 1; Marfan's syndrome; Marfan syndrome, classic; FBN1-Related Marfan Syndrome. Identifiers: Orphanet 284963, Orphanet 558, MedGen C0024796, MONDO:0007947, OMIM 154700.

Allele frequency attached by ClinVar (database versions not stated): TOPMed 0.00001; gnomAD 0.00001; gnomAD exomes below 0.00001.
gnomAD v4.1: 4 of 1,600,836 alleles (0.00025%); highest among the groups gnomAD compares: African/African-American, 0.004%; no homozygotes.

Submissions (5):

Labcorp Genetics (formerly Invitae), Labcorp
Classification: Likely benign for Marfan syndrome; Familial thoracic aortic aneurysm and aortic dissection. Last evaluated: 2025-10-06. Review status: criteria provided, single submitter. Criteria: Invitae Variant Classification Sherloc (09022015). Collection method: clinical testing. Allele origin: germline.

All of Us Research Program, National Institutes of Health
Classification: Likely benign for Marfan syndrome. Last evaluated: 2024-09-26. Review status: criteria provided, single submitter. Criteria: ACMG Guidelines, 2015. Collection method: clinical testing. Allele origin: germline. Inheritance: Autosomal dominant inheritance. Observed: 1 variant allele, 1 heterozygote.
Comment: This study involves interpretation of variants in research participants for the purpose of population health screening. Participant phenotype was not available at the time of variant classification. Additional details can be found in publication PMID: 35346344, PMCID: PMC8962531

Color Diagnostics, LLC DBA Color Health
Classification: Likely benign for Familial thoracic aortic aneurysm and aortic dissection. Last evaluated: 2024-08-22. Review status: criteria provided, single submitter. Criteria: ACMG Guidelines, 2015. Collection method: clinical testing. Allele origin: germline.

Women's Health and Genetics/Laboratory Corporation of America, LabCorp
Classification: Likely benign. Last evaluated: 2024-03-11. Review status: criteria provided, single submitter. Criteria: LabCorp Variant Classification Summary - May 2015. Collection method: clinical testing. Allele origin: germline.

PreventionGenetics, part of Exact Sciences
Classification: Likely benign for FBN1-related condition. Last evaluated: 2021-03-09. Review status: no assertion criteria provided. Collection method: clinical testing. Allele origin: germline. Not counted in ClinVar's aggregate classification.
Comment: This variant is classified as likely benign based on ACMG/AMP sequence variant interpretation guidelines (Richards et al. 2015 PMID: 25741868, with internal and published modifications).

NM_000138.5(FBN1):c.5225-10A>T

Gene: FBN1 (fibrillin 1; minus strand). Cytogenetic location: 15q21.1.
Variant type: single nucleotide variant.
Coding change: c.5225-10A>T on transcript NM_000138.5 (MANE Select); 10 bases into the intron before coding-DNA position 5225, A replaced by T.
Molecular consequence: intron variant.
Genome position (GRCh38, 1-based): chr15:48,460,327, T>A on the plus strand (A>T on the coding strand, the complement: FBN1 is on the minus strand). VCF-style: chr15-48460327-T-A. GRCh37 (hg19) VCF-style: chr15-48752524-T-A.
Other names: c.5225-10A>T (NM_000138.4).
Identifiers: ClinVar variation 1945007 (VCV001945007.12), dbSNP rs1485196202, ClinGen allele CA617839201.
Genomic context (GRCh38, chr15:48,460,327, plus strand): 5'-TGTCGATGACAAAGCCTGGCCTTTGACTTCCACAGAGTGTAGCAAACTCATCTGCAATGA[T>A]TAAACAAAGGTGGGATGGGAGGATAGGGGTCAGCAAAGAACAATAATTGGACTGAAAAAA-3'